The following is an entry in ClinVar:

NM_001212.4(C1QBP):c.699+4A>C

Gene: C1QBP (complement C1q binding protein; minus strand). Cytogenetic location: 17p13.2.
Variant type: single nucleotide variant.
Coding change: c.699+4A>C on transcript NM_001212.4 (MANE Select); 4 bases into the intron after coding-DNA position 699, A replaced by C.
Molecular consequence: intron variant.
Genome position (GRCh38, 1-based): chr17:5,433,289, T>G on the plus strand (A>C on the coding strand, the complement: C1QBP is on the minus strand). VCF-style: chr17-5433289-T-G. GRCh37 (hg19) VCF-style: chr17-5336609-T-G.
Identifiers: ClinVar variation 2173947 (VCV002173947.4), dbSNP rs1369578117, ClinGen allele CA624858679.

ClinVar aggregate classification (germline): Uncertain significance (1 of 4 stars; one submission).

Allele frequency attached by ClinVar (database versions not stated): gnomAD exomes below 0.00001; gnomAD 0.00001; TOPMed 0.00001.

Submission:

Labcorp Genetics (formerly Invitae), Labcorp
Classification: Uncertain significance. Last evaluated: 2022-10-17. Review status: criteria provided, single submitter. Criteria: Invitae Variant Classification Sherloc (09022015). Collection method: clinical testing. Allele origin: germline.
Comment: This sequence change falls in intron 5 of the C1QBP gene. It does not directly change the encoded amino acid sequence of the C1QBP protein. It affects a nucleotide within the consensus splice site. This variant is present in population databases (no rsID available, gnomAD 0.003%). This variant has not been reported in the literature in individuals affected with C1QBP-related conditions. Variants that disrupt the consensus splice site are a relatively common cause of aberrant splicing (PMID: 17576681, 9536098). Algorithms developed to predict the effect of sequence changes on RNA splicing suggest that this variant may create or strengthen a splice site. In summary, the available evidence is currently insufficient to determine the role of this variant in disease. Therefore, it has been classified as a Variant of Uncertain Significance.

Literature cited by the submitters: PubMed 17576681; PubMed 9536098.